The following is an entry in ClinVar:

ClinVar aggregate classification (germline): Benign/Likely benign. Review status: criteria provided, multiple submitters, no conflicts (2 of 4 stars). 7 submissions from 7 submitters: Benign (3); Likely benign (3). 1 of the submissions does not count toward it. Last evaluated 2026-07-01.

Conditions:
ARSL-related disorder. Also called: ARSL-related condition.
X-linked chondrodysplasia punctata 1 (CDPX1). Also called: CHONDRODYSPLASIA PUNCTATA, BRACHYTELEPHALANGIC; Chondrodysplasia punctata, X-linked recessive. Identifiers: Orphanet 79345, MedGen C3669395, MONDO:0010555, OMIM 302950.
Chondrodysplasia punctata, brachytelephalangic, autosomal. Also called: BRACHYTELEPHALANGIC CHONDRODYSPLASIA PUNCTATA. Identifiers: MedGen C1844853, MONDO:0011238, OMIM 602497.

Allele frequency attached by ClinVar (database versions not stated): gnomAD exomes 0.00013 and 0.00036; ExAC 0.00042; 1000 Genomes Project 30x 0.00062; 1000 Genomes Project 0.00079; gnomAD 0.00133 and 0.00143; ESP Exome Variant Server 0.00142; TOPMed 0.00153.
gnomAD v4.1: 306 of 1,209,550 alleles (0.025%); highest among the groups gnomAD compares: African/African-American, 0.45%; no homozygotes.

Submissions (7):

CeGaT Center for Human Genetics Tuebingen
Classification: Likely benign. Last evaluated: 2026-07-01. Review status: criteria provided, single submitter. Criteria: CeGaT Center For Human Genetics Tuebingen Variant Classification Criteria Version 2. Collection method: clinical testing. Allele origin: germline. Affected: yes. Observed: 1 variant allele.
Comment: ARSL: BS2

Labcorp Genetics (formerly Invitae), Labcorp
Classification: Benign for Chondrodysplasia punctata, brachytelephalangic, autosomal. Last evaluated: 2026-01-06. Review status: criteria provided, single submitter. Criteria: Invitae Variant Classification Sherloc (09022015). Collection method: clinical testing. Allele origin: germline.

ARUP Laboratories, Molecular Genetics and Genomics, ARUP Laboratories
Classification: Likely benign for X-linked chondrodysplasia punctata 1. Last evaluated: 2024-10-28. Review status: criteria provided, single submitter. Criteria: ARUP Molecular Germline Variant Investigation Process 2024. Collection method: clinical testing. Allele origin: germline.

Dr.Nikuei Genetic Center
Classification: Benign for X-linked chondrodysplasia punctata 1. Last evaluated: 2024-06-29. Review status: criteria provided, single submitter. Criteria: ACMG Guidelines, 2015. Collection method: clinical testing. Allele origin: germline. Affected: no.

Blueprint Genetics
Classification: Likely benign. Last evaluated: 2023-12-18. Review status: criteria provided, single submitter. Criteria: ACMG Guidelines, 2015. Collection method: clinical testing. Allele origin: germline.

GeneDx
Classification: Benign. Last evaluated: 2021-01-18. Review status: criteria provided, single submitter. Criteria: GeneDx Variant Classification Process June 2021. Collection method: clinical testing. Allele origin: germline. Affected: yes.

PreventionGenetics, part of Exact Sciences
Classification: Benign for ARSL-related condition. Last evaluated: 2019-07-29. Review status: no assertion criteria provided. Collection method: clinical testing. Allele origin: germline. Not counted in ClinVar's aggregate classification.
Comment: This variant is classified as benign based on ACMG/AMP sequence variant interpretation guidelines (Richards et al. 2015 PMID: 25741868, with internal and published modifications).

NM_000047.3(ARSL):c.1408G>C (p.Asp470His)

Gene: ARSL (arylsulfatase L; minus strand). Cytogenetic location: Xp22.33.
Variant type: single nucleotide variant.
Coding change: c.1408G>C on transcript NM_000047.3 (MANE Select); coding-DNA position 1408, G replaced by C.
Protein change: p.Asp470His; replaces aspartic acid 470 with histidine.
Molecular consequence: missense variant.
Genome position (GRCh38, 1-based): chrX:2,936,745, C>G on the plus strand (G>C on the coding strand, the complement: ARSL is on the minus strand). VCF-style: chrX-2936745-C-G. GRCh37 (hg19) VCF-style: chrX-2854786-C-G.
Other names: c.1483G>C, p.Asp495His (NM_001282628.2, NM_001369080.1); c.1246G>C, p.Asp416His (NM_001282631.2); c.1435G>C, p.Asp479His (NM_001369079.1); short protein forms D470H, D495H, D416H, D479H.
Identifiers: ClinVar variation 703344 (VCV000703344.58), dbSNP rs61743737, ClinGen allele CA10338014.